The following is an entry in ClinVar:

ClinVar aggregate classification (germline): Uncertain significance (1 of 4 stars; one submission).

Conditions:
CHARGE syndrome (CHARGE). Also called: Hittner Hirsch Kreh syndrome; CHARGE ASSOCIATION--COLOBOMA, HEART ANOMALY, CHOANAL ATRESIA, RETARDATION, GENITAL AND EAR ANOMALIES; Coloboma, heart anomaly, choanal atresia, retardation, genital and ear anomalies; CHARGE association; Hall-Hittner syndrome. Identifiers: Orphanet 138, MedGen C0265354, MONDO:0008965.

Allele frequency attached by ClinVar (database versions not stated): gnomAD exomes below 0.00001.
gnomAD v4.1: 3 of 1,614,040 alleles (0.00019%); highest among the groups gnomAD compares: Non-Finnish European, 0.00025%; no homozygotes.

Submission:

Labcorp Genetics (formerly Invitae), Labcorp
Classification: Uncertain significance for CHARGE syndrome. Last evaluated: 2022-12-04. Review status: criteria provided, single submitter. Criteria: Invitae Variant Classification Sherloc (09022015). Collection method: clinical testing. Allele origin: germline.
Comment: In summary, the available evidence is currently insufficient to determine the role of this variant in disease. Therefore, it has been classified as a Variant of Uncertain Significance. Advanced modeling of protein sequence and biophysical properties (such as structural, functional, and spatial information, amino acid conservation, physicochemical variation, residue mobility, and thermodynamic stability) performed at Invitae indicates that this missense variant is not expected to disrupt CHD7 protein function. This variant has not been reported in the literature in individuals affected with CHD7-related conditions. This variant is not present in population databases (gnomAD no frequency). This sequence change replaces methionine, which is neutral and non-polar, with valine, which is neutral and non-polar, at codon 450 of the CHD7 protein (p.Met450Val).

NM_017780.4(CHD7):c.1348A>G (p.Met450Val)

Gene: CHD7 (chromodomain helicase DNA binding protein 7; plus strand). Cytogenetic location: 8q12.2.
Variant type: single nucleotide variant.
Coding change: c.1348A>G on transcript NM_017780.4 (MANE Select); coding-DNA position 1348, A replaced by G.
Protein change: p.Met450Val; replaces methionine 450 with valine.
Molecular consequence: missense variant.
Genome position (GRCh38, 1-based): chr8:60,742,780, A>G. VCF-style: chr8-60742780-A-G. GRCh37 (hg19) VCF-style: chr8-61655339-A-G.
Other names: c.1348A>G, p.Met450Val (NM_001316690.1); short protein forms M450V.
Identifiers: ClinVar variation 2818649 (VCV002818649.3), dbSNP rs2487281387, ClinGen allele CA371302429.